The following is an entry in ClinVar:

NM_005609.4(PYGM):c.1375A>G (p.Ile459Val)

Gene: PYGM (glycogen phosphorylase, muscle associated; minus strand). Cytogenetic location: 11q13.1.
Variant type: single nucleotide variant.
Coding change: c.1375A>G on transcript NM_005609.4 (MANE Select); coding-DNA position 1375, A replaced by G.
Protein change: p.Ile459Val; replaces isoleucine 459 with valine.
Molecular consequence: missense variant.
Genome position (GRCh38, 1-based): chr11:64,753,547, T>C on the plus strand (A>G on the coding strand, the complement: PYGM is on the minus strand). VCF-style: chr11-64753547-T-C. GRCh37 (hg19) VCF-style: chr11-64521019-T-C.
Other names: c.1375A>G (NM_005609.3); c.1111A>G, p.Ile371Val (NM_001164716.1); short protein forms I371V, I459V.
Identifiers: ClinVar variation 878395 (VCV000878395.6), dbSNP rs377371768, ClinGen allele CA6079893.

ClinVar aggregate classification (germline): Uncertain significance. Review status: criteria provided, single submitter (1 of 4 stars). 2 submissions from 2 submitters: Uncertain significance (1). 1 of the submissions does not count toward it. Last evaluated 2018-01-12.

Conditions:
Glycogen storage disease, type V (GSD5). Also called: McArdle type glycogen storage disease; MCARDLE DISEASE; MUSCLE GLYCOGEN PHOSPHORYLASE DEFICIENCY; MYOPHOSPHORYLASE DEFICIENCY; PYGM DEFICIENCY. Identifiers: Orphanet 368, MedGen C0017924, MONDO:0009293, OMIM 232600.
Tip-toe gait. Also called: Toe walking. Identifiers: MedGen C0427144, HP:0030051.

Allele frequency attached by ClinVar (database versions not stated): TOPMed 0.00003; ESP Exome Variant Server 0.00008; gnomAD exomes below 0.00001 and 0.00004; gnomAD 0.00004; ExAC 0.00002.
gnomAD v4.1: 56 of 1,598,178 alleles (0.0035%); highest among the groups gnomAD compares: Non-Finnish European, 0.0047%; no homozygotes.

Submissions (2):

Illumina Laboratory Services, Illumina
Classification: Uncertain significance for Glycogen storage disease, type V. Last evaluated: 2018-01-12. Review status: criteria provided, single submitter. Criteria: ICSL Variant Classification Criteria 13 December 2019. Collection method: clinical testing. Allele origin: germline.

Practice for Gait Abnormalities, David Pomarino, Competency Network Toe Walking C/o Practice Pomarino
Classification: Likely pathogenic for Tip-toe gait. Last evaluated: 2022-04-08. Review status: flagged submission. Collection method: clinical testing. Allele origin: germline. Affected: yes. Not counted in ClinVar's aggregate classification.
Comment: Toe Walking has various causes, ranging from idiopathic or habitual reasons to an underlying neuromuscular disease. The most observed form of toe walking is idiopathic toe walking (ITW) - a diagnosis of exclusion. ITW occurs in about 5% of children after their second birthday and is a common problem in pediatric orthopedics. In about 70% of these cases, there is spontaneous remission within six months of the onset of ITW. If the toe walk persists, one can assume the presence of a non-idiopathic form of toe walk (n-ITW). In n-ITW, the causes of the abnormal gait are neurological or myogenic. Differential diagnoses such as infantile cerebral palsy, muscular dystrophy, spinal amyotrophy and hereditary motor-sensory neuropathy as well as rare metabolic disorders of the musculature must be considered (Pomarino et al., 2018). In our clinical ITW consultation, we screen children with n-ITW for a genetic form of tiptoe gait using next generation sequencing for gene variants in 49 genes. These are genes in which gene variants can lead to neuromuscular diseases in which an association with toe-tapping gait has been reported or can be suspected due to patients’ clinical symptoms. To the best of our knowledge, this is the first study in which several patients with toe walking displayed heterozygosity for pathogenic or likely pathogenic PYGM mutations and mild symptoms of the metabolic muscle disease McArdle. The findings of our research are in line with recently published observations in heterozygous family members patients with McArdle disease. We should mention that some of the patients in our cohort harbored heterozygous variants in other genes of our gene panel. However, the numbers in this study were too small to workout any resulting combined genetic effects. It is concluded that genetic conditions can contribute to the development of toe walking. Apparently, even a slight genetic weakening of the muscles can lead to changes to the gait pattern. Future studies must show how the pathomechanism can be explained for the PYGM variants and whether there are new therapeutic approaches to be developed based on this research.
ClinVar note: Notes: This gene has insufficient supporting evidence for isolated Tip-Toe Gait.
ClinVar note: Reason: Claim with insufficient supporting evidence

Literature cited by the submitters: PubMed 29881221 (cited by Practice for Gait Abnormalities, David Pomarino, Competency Network Toe Walking C/o Practice Pomarino); DOI 10.1016/j.rchot.2016.09.001 (cited by Practice for Gait Abnormalities, David Pomarino, Competency Network Toe Walking C/o Practice Pomarino); DOI 10.51793/OS.2022.25.6.010 (cited by Practice for Gait Abnormalities, David Pomarino, Competency Network Toe Walking C/o Practice Pomarino).